The following is an entry in ClinVar:

NM_024426.6(WT1):c.1468C>T (p.Arg490Trp)

Gene: WT1 (WT1 transcription factor; minus strand). Cytogenetic location: 11p13.
Variant type: single nucleotide variant.
Coding change: c.1468C>T on transcript NM_024426.6 (MANE Select); coding-DNA position 1468, C replaced by T.
Protein change: p.Arg490Trp; replaces arginine 490 with tryptophan.
Molecular consequence: missense variant. On other transcripts: non-coding transcript variant (1).
Genome position (GRCh38, 1-based): chr11:32,389,159, G>A on the plus strand (C>T on the coding strand, the complement: WT1 is on the minus strand). VCF-style: chr11-32389159-G-A. GRCh37 (hg19) VCF-style: chr11-32410705-G-A.
Other names: c.1408C>T, p.Arg470Trp (NM_000378.6); c.808C>T, p.Arg270Trp (NM_001198551.2); c.766C>T, p.Arg256Trp (NM_001198552.2); c.280C>T, p.Arg94Trp (NM_001367854.1); c.1453C>T, p.Arg485Trp (NM_001407044.1); c.1417C>T, p.Arg473Trp (NM_001407045.1); c.1375C>T, p.Arg459Trp (NM_001407046.1); c.1336C>T, p.Arg446Trp (NM_001407047.1); and 6 more; short protein forms R270W, R490W, R487W, R94W, R256W, R470W, R459W, R432W.
Identifiers: ClinVar variation 543127 (VCV000543127.12), dbSNP rs1315549918, ClinGen allele CA379957768.

ClinVar aggregate classification (germline): Uncertain significance. Review status: criteria provided, multiple submitters, no conflicts (2 of 4 stars). 3 submissions from 3 submitters: Uncertain significance (3). Last evaluated 2025-05-06.

Conditions:
Inborn genetic diseases. Identifiers: MedGen C0950123, MeSH D030342.
Wilms tumor 1 (WT1). Also called: Wilms tumor, somatic. Identifiers: Orphanet 654, MedGen CN033288, MONDO:0008679, OMIM 194070.
11p partial monosomy syndrome (WAGR). Also called: CHROMOSOME 11p13 DELETION SYNDROME; WAGR Spectrum Disorder; WAGR syndrome; WAGR Complex. Identifiers: Orphanet 893, MedGen C0206115, MONDO:0008681, OMIM 194072.
Frasier syndrome. Identifiers: Orphanet 347, MedGen C0950122, MeSH D052159, MONDO:0007635, OMIM 136680.
Drash syndrome (DDS). Also called: NEPHROPATHY, WILMS TUMOR, AND GENITAL ANOMALIES; WILMS TUMOR AND PSEUDO- OR TRUE HERMAPHRODITISM. Identifiers: Orphanet 220, MedGen C0950121, MONDO:0008682, OMIM 194080.

Allele frequency attached by ClinVar (database versions not stated): gnomAD exomes 0.00001; TOPMed 0.00001.
gnomAD v4.1: 8 of 1,614,086 alleles (0.0005%); highest among the groups gnomAD compares: Middle Eastern, 0.017%; no homozygotes.

Submissions (3):

GeneDx
Classification: Uncertain significance. Last evaluated: 2025-05-06. Review status: criteria provided, single submitter. Criteria: GeneDx Variant Classification Process June 2021. Collection method: clinical testing. Allele origin: germline. Affected: yes.
Comment: Not observed at significant frequency in large population cohorts (gnomAD); In silico analysis supports that this missense variant has a deleterious effect on protein structure/function; Has not been previously published as pathogenic or benign to our knowledge

Ambry Genetics
Classification: Uncertain significance for Inborn genetic diseases. Last evaluated: 2025-01-06. Review status: criteria provided, single submitter. Criteria: Ambry Variant Classification Scheme 2023. Collection method: clinical testing. Allele origin: germline.
Comment: The p.R485W variant (also known as c.1453C>T), located in coding exon 10 of the WT1 gene, results from a C to T substitution at nucleotide position 1453. The arginine at codon 485 is replaced by tryptophan, an amino acid with dissimilar properties. This amino acid position is conserved. In addition, this alteration is predicted to be deleterious by in silico analysis. Based on the available evidence, the clinical significance of this variant remains unclear.

Labcorp Genetics (formerly Invitae), Labcorp
Classification: Uncertain significance for Wilms tumor 1; Drash syndrome; 11p partial monosomy syndrome; Frasier syndrome. Last evaluated: 2022-11-14. Review status: criteria provided, single submitter. Criteria: Invitae Variant Classification Sherloc (09022015). Collection method: clinical testing. Allele origin: germline.
Comment: In summary, the available evidence is currently insufficient to determine the role of this variant in disease. Therefore, it has been classified as a Variant of Uncertain Significance. Algorithms developed to predict the effect of missense changes on protein structure and function (SIFT, PolyPhen-2, Align-GVGD) all suggest that this variant is likely to be disruptive. ClinVar contains an entry for this variant (Variation ID: 543127). This variant has not been reported in the literature in individuals affected with WT1-related conditions. This variant is not present in population databases (gnomAD no frequency). This sequence change replaces arginine, which is basic and polar, with tryptophan, which is neutral and slightly polar, at codon 485 of the WT1 protein (p.Arg485Trp).